The following is an entry in ClinVar:

ClinVar aggregate classification (germline): Uncertain significance (1 of 4 stars; one submission).

Conditions:
Acyl-CoA oxidase deficiency. Also called: Peroxisomal acyl-CoA oxidase deficiency; STRAIGHT-CHAIN ACYL-CoA OXIDASE DEFICIENCY; Pseudoneonatal adrenoleukodystrophy. Identifiers: Orphanet 2971, MedGen C1849678, MONDO:0009919, OMIM 264470. Disease mechanism: loss of function.

Submission:

Labcorp Genetics (formerly Invitae), Labcorp
Classification: Uncertain significance for Acyl-CoA oxidase deficiency. Last evaluated: 2025-01-06. Review status: criteria provided, single submitter. Criteria: Invitae Variant Classification Sherloc (09022015). Collection method: clinical testing. Allele origin: germline.
Comment: This sequence change falls in intron 11 of the ACOX1 gene. It does not directly change the encoded amino acid sequence of the ACOX1 protein. It affects a nucleotide within the consensus splice site. This variant is not present in population databases (gnomAD no frequency). This variant has not been reported in the literature in individuals affected with ACOX1-related conditions. Variants that disrupt the consensus splice site are a relatively common cause of aberrant splicing (PMID: 17576681, 9536098). Algorithms developed to predict the effect of sequence changes on RNA splicing suggest that this variant may disrupt the consensus splice site. In summary, the available evidence is currently insufficient to determine the role of this variant in disease. Therefore, it has been classified as a Variant of Uncertain Significance.

Literature cited by the submitters: PubMed 17576681; PubMed 9536098.

NM_004035.7(ACOX1):c.1584+6T>C

Gene: ACOX1 (acyl-CoA oxidase 1; minus strand). Cytogenetic location: 17q25.1.
Variant type: single nucleotide variant.
Coding change: c.1584+6T>C on transcript NM_004035.7 (MANE Select); 6 bases into the intron after coding-DNA position 1584, T replaced by C.
Molecular consequence: intron variant.
Genome position (GRCh38, 1-based): chr17:75,949,489, A>G on the plus strand (T>C on the coding strand, the complement: ACOX1 is on the minus strand). VCF-style: chr17-75949489-A-G. GRCh37 (hg19) VCF-style: chr17-73945570-A-G.
Other names: c.1584+6T>C (NM_007292.6); c.1470+6T>C (NM_001185039.2).
Identifiers: ClinVar variation 3632386 (VCV003632386.2).